The following is an entry in ClinVar:

ClinVar aggregate classification (germline): Uncertain significance (1 of 4 stars; one submission).

Conditions:
CACNB2-related disorder. Also called: CACNB2-related condition.

gnomAD v4.1: 14 of 1,613,858 alleles (0.00087%); highest among the groups gnomAD compares: African/African-American, 0.0067%; no homozygotes.

Submission:

PreventionGenetics, part of Exact Sciences
Classification: Uncertain significance for CACNB2-related condition. Last evaluated: 2025-12-23. Review status: criteria provided, single submitter. Criteria: ACMG Guidelines, 2015. Collection method: clinical testing. Allele origin: germline.
Comment: The CACNB2 c.826C>T variant is predicted to result in the amino acid substitution p.Arg276Cys. This variant has been reported as a variant of uncertain significance in an individual with unexplained cardiac arrest (Table S5, Grondin et al. 2022. PubMed ID: 35352813). This variant is reported in 0.012% of alleles in individuals of African descent in gnomAD. At this time, the clinical significance of this variant is uncertain due to the absence of conclusive functional and genetic evidence.

NM_201596.3(CACNB2):c.988C>T (p.Arg330Cys)

Gene: CACNB2 (calcium voltage-gated channel auxiliary subunit beta 2; plus strand). Cytogenetic location: 10p12.31.
Variant type: single nucleotide variant.
Coding change: c.988C>T on transcript NM_201596.3 (MANE Select); coding-DNA position 988, C replaced by T.
Protein change: p.Arg330Cys; replaces arginine 330 with cysteine.
Molecular consequence: missense variant.
Genome position (GRCh38, 1-based): chr10:18,527,631, C>T. VCF-style: chr10-18527631-C-T. GRCh37 (hg19) VCF-style: chr10-18816560-C-T.
Other names: c.823C>T, p.Arg275Cys (NM_000724.4); c.790C>T, p.Arg264Cys (NM_001167945.2); c.709C>T, p.Arg237Cys (NM_001330060.2); c.730C>T, p.Arg244Cys (NM_001410882.1); c.844C>T, p.Arg282Cys (NM_201570.3); c.904C>T, p.Arg302Cys (NM_201571.4); c.832C>T, p.Arg278Cys (NM_201572.4); c.826C>T, p.Arg276Cys (NM_201590.3); and 2 more; short protein forms R278C, R244C, R330C, R275C, R292C, R302C, R237C, R264C.
Identifiers: ClinVar variation 4995252 (VCV004995252.1).